The following is an entry in ClinVar:

NM_000169.3(GLA):c.475T>C (p.Phe159Leu)

Genes: GLA (galactosidase alpha; minus strand), RPL36A-HNRNPH2 (RPL36A-HNRNPH2 readthrough; plus strand). Cytogenetic location: Xq22.1.
Variant type: single nucleotide variant.
Coding change: c.475T>C on transcript NM_000169.3 (MANE Select); coding-DNA position 475, T replaced by C.
Protein change: p.Phe159Leu; replaces phenylalanine 159 with leucine.
Molecular consequence: missense variant. On other transcripts: non-coding transcript variant (3), intron variant (2).
Genome position (GRCh38, 1-based): chrX:101,401,704, A>G on the plus strand (T>C on the coding strand, the complement: GLA is on the minus strand). VCF-style: chrX-101401704-A-G. GRCh37 (hg19) VCF-style: chrX-100656692-A-G.
Other names: c.598T>C, p.Phe200Leu (NM_001406747.1, NM_001406749.1); c.475T>C, p.Phe159Leu (NM_001406748.1); c.300+6247A>G (NM_001199973.2); c.177+9882A>G (NM_001199974.2); short protein forms F159L, F200L.
Identifiers: ClinVar variation 924167 (VCV000924167.18), dbSNP rs1928321516, ClinGen allele CA413929368.

ClinVar aggregate classification (germline): Uncertain significance. Review status: criteria provided, multiple submitters, no conflicts (2 of 4 stars). 5 submissions from 5 submitters: Uncertain significance (4). 1 of the submissions does not count toward it. Last evaluated 2024-07-11.

Conditions:
Fabry disease. Also called: ALPHA-GALACTOSIDASE A DEFICIENCY; ANDERSON-FABRY DISEASE; CERAMIDE TRIHEXOSIDASE DEFICIENCY; GLA DEFICIENCY; HEREDITARY DYSTOPIC LIPIDOSIS; Fabry's disease. Identifiers: Orphanet 324, MedGen C0002986, MONDO:0010526, OMIM 301500, HP:0001071. Disease mechanism: loss of function, Fabry disease is due to inactivating mutations in the X-linked GLA gene resulting in deficiency of the enzyme Alpha Galactosidase-A..
Cardiovascular phenotype. Identifiers: MedGen CN230736.
GLA-related disorder. Also called: GLA-related condition.

Submissions (5):

Labcorp Genetics (formerly Invitae), Labcorp
Classification: Uncertain significance for Fabry disease. Last evaluated: 2024-07-11. Review status: criteria provided, single submitter. Criteria: Invitae Variant Classification Sherloc (09022015). Collection method: clinical testing. Allele origin: germline.
Comment: This sequence change replaces phenylalanine, which is neutral and non-polar, with leucine, which is neutral and non-polar, at codon 159 of the GLA protein (p.Phe159Leu). This variant is not present in population databases (gnomAD no frequency). This variant has not been reported in the literature in individuals affected with GLA-related conditions. ClinVar contains an entry for this variant (Variation ID: 924167). Advanced modeling of protein sequence and biophysical properties (such as structural, functional, and spatial information, amino acid conservation, physicochemical variation, residue mobility, and thermodynamic stability) performed at Invitae indicates that this missense variant is not expected to disrupt GLA protein function with a negative predictive value of 80%. This variant disrupts the p.Phe159 amino acid residue in GLA. Other variant(s) that disrupt this residue have been determined to be pathogenic (Invitae). This suggests that this residue is clinically significant, and that variants that disrupt this residue are likely to be disease-causing. In summary, the available evidence is currently insufficient to determine the role of this variant in disease. Therefore, it has been classified as a Variant of Uncertain Significance.

Color Diagnostics, LLC DBA Color Health
Classification: Uncertain significance for Fabry disease. Last evaluated: 2023-12-05. Review status: criteria provided, single submitter. Criteria: ACMG Guidelines, 2015. Collection method: clinical testing. Allele origin: germline.
Comment: Variant of Uncertain Significance due to insufficient evidence: This missense variant replaces phenylalanine with leucine at codon 159 of the GLA protein. Computational prediction tools and conservation analyses suggest that this variant may have deleterious impact on the protein function. Computational splicing tools suggest that this variant may not impact RNA splicing. To our knowledge, functional assays have not been performed for this variant nor has this variant been reported in individuals affected with cardiovascular disorders in the literature. This variant is rare in the general population and has been identified in 0/277264 chromosomes by the Genome Aggregation Database (gnomAD). Available evidence is insufficient to determine the role of this variant in disease conclusively.

Ambry Genetics
Classification: Uncertain significance for Cardiovascular phenotype. Last evaluated: 2022-09-06. Review status: criteria provided, single submitter. Criteria: Ambry Variant Classification Scheme 2023. Collection method: clinical testing. Allele origin: germline.
Comment: The p.F159L variant (also known as c.475T>C), located in coding exon 3 of the GLA gene, results from a T to C substitution at nucleotide position 475. The phenylalanine at codon 159 is replaced by leucine, an amino acid with highly similar properties. This amino acid position is highly conserved in available vertebrate species. In addition, this alteration is predicted to be deleterious by in silico analysis. Since supporting evidence is limited at this time, the clinical significance of this alteration remains unclear.

Genome-Nilou Lab
Classification: Uncertain significance for Fabry disease. Last evaluated: 2021-07-15. Review status: criteria provided, single submitter. Criteria: ACMG Guidelines, 2015. Collection method: clinical testing. Allele origin: germline. Affected: no.

PreventionGenetics, part of Exact Sciences
Classification: Uncertain significance for GLA-related condition. Last evaluated: 2024-06-28. Review status: no assertion criteria provided. Collection method: clinical testing. Allele origin: germline. Not counted in ClinVar's aggregate classification.
Comment: The GLA c.475T>C variant is predicted to result in the amino acid substitution p.Phe159Leu. To our knowledge, this variant has not been reported in the literature or in a large population database, indicating this variant is rare. At this time, the clinical significance of this variant is uncertain due to the absence of conclusive functional and genetic evidence.